The following is an entry in ClinVar:

ClinVar aggregate classification (germline): Pathogenic. Review status: criteria provided, single submitter (1 of 4 stars). 3 submissions from 3 submitters: Pathogenic (1). 2 of the submissions do not count toward it. Last evaluated 2021-10-13.

Conditions:
Nail-patella syndrome (NPS). Also called: ONYCHOOSTEODYSPLASIA; FONG DISEASE; TURNER-KIESER SYNDROME. Identifiers: Orphanet 2614, MedGen C0027341, MONDO:0008061, OMIM 161200.

Submissions (3):

Labcorp Genetics (formerly Invitae), Labcorp
Classification: Pathogenic. Last evaluated: 2021-10-13. Review status: criteria provided, single submitter. Criteria: Invitae Variant Classification Sherloc (09022015). Collection method: clinical testing. Allele origin: germline.
Comment: For these reasons, this variant has been classified as Pathogenic. Algorithms developed to predict the effect of sequence changes on RNA splicing suggest that this variant may disrupt the consensus splice site. ClinVar contains an entry for this variant (Variation ID: 522461). This variant is also known as 672+1G>T . Disruption of this splice site has been observed in individuals with Nail-patella syndrome (PMID: 9837817). This variant is not present in population databases (ExAC no frequency). This sequence change affects a donor splice site in intron 4 of the LMX1B gene. It is expected to disrupt RNA splicing. Variants that disrupt the donor or acceptor splice site typically lead to a loss of protein function (PMID: 16199547), and loss-of-function variants in LMX1B are known to be pathogenic (PMID: 9590287, 15498463).

Bioscientia Institut fuer Medizinische Diagnostik GmbH, Sonic Healthcare
Classification: Pathogenic for Nail-patella syndrome. Last evaluated: 2017-09-18. Review status: no assertion criteria provided. Collection method: clinical testing. Allele origin: germline. Affected: yes. Not counted in ClinVar's aggregate classification.

OMIM
Classification: Pathogenic for NAIL-PATELLA SYNDROME. Last evaluated: 1998-12-01. Review status: no assertion criteria provided. Collection method: literature only. Allele origin: germline. Not counted in ClinVar's aggregate classification.

Literature cited by the submitters: PubMed 9837817 (cited by Labcorp Genetics (formerly Invitae), Labcorp and OMIM); PubMed 16199547 (cited by Labcorp Genetics (formerly Invitae), Labcorp); PubMed 9590287 (cited by Labcorp Genetics (formerly Invitae), Labcorp); PubMed 15498463 (cited by Labcorp Genetics (formerly Invitae), Labcorp).

NM_001174147.2(LMX1B):c.741+1G>T

Gene: LMX1B (LIM homeobox transcription factor 1 beta; plus strand). Cytogenetic location: 9q33.3.
Variant type: single nucleotide variant.
Coding change: c.741+1G>T on transcript NM_001174147.2 (MANE Select); the canonical splice donor site of the intron after coding-DNA position 741, G replaced by T.
Molecular consequence: splice donor variant.
Genome position (GRCh38, 1-based): chr9:126,693,324, G>T. VCF-style: chr9-126693324-G-T. GRCh37 (hg19) VCF-style: chr9-129455603-G-T.
Other names: 672, G-T, +1; c.741+1G>T (NM_001174146.2, NM_002316.4).
Identifiers: ClinVar variation 522461 (VCV000522461.9), dbSNP rs1427331961, ClinGen allele CA374913725.